The following is an entry in ClinVar:

ClinVar aggregate classification (germline): Pathogenic/Likely pathogenic. Review status: criteria provided, multiple submitters, no conflicts (2 of 4 stars). 4 submissions from 4 submitters: Pathogenic (2); Likely pathogenic (2). Last evaluated 2026-01-21.

Conditions:
Pyridoxine-dependent epilepsy (EPEO4). Also called: Pyridoxine-Dependent Seizures; EPILEPSY, EARLY-ONSET, 4, VITAMIN B6-DEPENDENT; Pyridoxine-Dependent Epilepsy - ALDH7A1; PYRIDOXINE DEPENDENCY WITH SEIZURES. Identifiers: Orphanet 3006, MedGen C1849508, MONDO:0009945, OMIM 266100. Disease mechanism: loss of function.

Allele frequency attached by ClinVar (database versions not stated): gnomAD 0.00001 and 0.00002; TOPMed 0.00001; ExAC 0.00002; gnomAD exomes 0.00002 and 0.00003; 1000 Genomes Project 30x 0.00016; 1000 Genomes Project 0.00020.
gnomAD v4.1: 47 of 1,614,184 alleles (0.0029%); highest among the groups gnomAD compares: Non-Finnish European, 0.0039%; no homozygotes.

Submissions (4):

Labcorp Genetics (formerly Invitae), Labcorp
Classification: Pathogenic for Pyridoxine-dependent epilepsy. Last evaluated: 2026-01-21. Review status: criteria provided, single submitter. Criteria: Invitae Variant Classification Sherloc (09022015). Collection method: clinical testing. Allele origin: germline.
Comment: This sequence change replaces tryptophan, which is neutral and slightly polar, with glycine, which is neutral and non-polar, at codon 203 of the ALDH7A1 protein (p.Trp203Gly). This variant is present in population databases (rs555896752, gnomAD 0.004%). This missense change has been observed in individual(s) with pyridoxine-dependent epilepsy (PMID: 20554659, 26224730). This variant is also known as p.Trp175Gly. ClinVar contains an entry for this variant (Variation ID: 204831). Invitae Evidence Modeling of protein sequence and biophysical properties (such as structural, functional, and spatial information, amino acid conservation, physicochemical variation, residue mobility, and thermodynamic stability) indicates that this missense variant is expected to disrupt ALDH7A1 protein function with a positive predictive value of 95%. Experimental studies have shown that this missense change affects ALDH7A1 function (PMID: 22784480, 31302938). This variant disrupts the p.Trp203 amino acid residue in ALDH7A1. Other variant(s) that disrupt this residue have been determined to be pathogenic (internal data). This suggests that this residue is clinically significant, and that variants that disrupt this residue are likely to be disease-causing. For these reasons, this variant has been classified as Pathogenic.

GeneDx
Classification: Pathogenic. Last evaluated: 2024-12-19. Review status: criteria provided, single submitter. Criteria: GeneDx Variant Classification Process June 2021. Collection method: clinical testing. Allele origin: germline. Affected: yes.
Comment: Published functional studies demonstrate a damaging effect and indicate that this variant abolishes enzyme activity and has a mild effect on catalytic activity (PMID: 22784480, 31302938); Not observed at significant frequency in large population cohorts (gnomAD); In silico analysis supports that this missense variant has a deleterious effect on protein structure/function; This variant is associated with the following publications: (PMID: 26943461, 26224730, 20554659, 31302938, 32751059, 31589614, 22784480)

Women's Health and Genetics/Laboratory Corporation of America, LabCorp
Classification: Likely pathogenic for Pyridoxine-dependent epilepsy. Last evaluated: 2024-06-10. Review status: criteria provided, single submitter. Criteria: LabCorp Variant Classification Summary - May 2015. Collection method: clinical testing. Allele origin: germline.
Comment: Variant summary: ALDH7A1 c.607T>G (p.Trp203Gly) results in a non-conservative amino acid change in the encoded protein sequence. Five of five in-silico tools predict a damaging effect of the variant on protein function. The variant allele was found at a frequency of 2e-05 in 251490 control chromosomes (gnomAD). c.607T>G has been reported in the literature in individuals affected with Pyridoxine-Dependent Epilepsy (Mills_2010, Mefford_2015). These data do not allow any conclusion about variant significance. At least one publication reports experimental evidence evaluating an impact on protein function. The most pronounced variant effect results in <10% of normal activity in vitro (Coulter-Mackie_2012). The following publications have been ascertained in the context of this evaluation (PMID: 30043187, 22784480, 24613284, 31302938, 26224730, 20554659). ClinVar contains an entry for this variant (Variation ID: 204831). Based on the evidence outlined above, the variant was classified as likely pathogenic.

Revvity Omics, Revvity
Classification: Likely pathogenic for Pyridoxine-dependent epilepsy. Last evaluated: 2019-01-16. Review status: criteria provided, single submitter. Criteria: ACMG Guidelines, 2015. Collection method: clinical testing. Allele origin: germline.

Literature cited by the submitters: PubMed 20554659 (cited by Labcorp Genetics (formerly Invitae), Labcorp and Women's Health and Genetics/Laboratory Corporation of America, LabCorp); PubMed 26224730 (cited by Labcorp Genetics (formerly Invitae), Labcorp and Women's Health and Genetics/Laboratory Corporation of America, LabCorp); PubMed 22784480 (cited by Labcorp Genetics (formerly Invitae), Labcorp and Women's Health and Genetics/Laboratory Corporation of America, LabCorp); PubMed 31302938 (cited by Labcorp Genetics (formerly Invitae), Labcorp and Women's Health and Genetics/Laboratory Corporation of America, LabCorp); PubMed 30043187 (cited by Women's Health and Genetics/Laboratory Corporation of America, LabCorp); PubMed 24613284 (cited by Women's Health and Genetics/Laboratory Corporation of America, LabCorp).

NM_001182.5(ALDH7A1):c.607T>G (p.Trp203Gly)

Gene: ALDH7A1 (aldehyde dehydrogenase 7 family member A1; minus strand). Cytogenetic location: 5q23.2.
Variant type: single nucleotide variant.
Coding change: c.607T>G on transcript NM_001182.5 (MANE Select); coding-DNA position 607, T replaced by G.
Protein change: p.Trp203Gly; replaces tryptophan 203 with glycine.
Molecular consequence: missense variant.
Genome position (GRCh38, 1-based): chr5:126,577,122, A>C on the plus strand (T>G on the coding strand, the complement: ALDH7A1 is on the minus strand). VCF-style: chr5-126577122-A-C. GRCh37 (hg19) VCF-style: chr5-125912814-A-C.
Other names: p.W203G:TGG>GGG; c.523T>G, p.Trp175Gly (NM_001201377.2); c.607T>G, p.Trp203Gly (NM_001202404.2); short protein forms W203G, W175G.
Identifiers: ClinVar variation 204831 (VCV000204831.16), dbSNP rs555896752, ClinGen allele CA313170.
Genomic context (GRCh38, chr5:126,577,122, plus strand): 5'-AAGTGAGCAGGTCTTACCAGAGGCAGACATTTCCACAGATCATGGCGATGGCGTTGTTCC[A>C]ACCATACACTGCCACAGGGAAATTGAATGCCGTGATGATTCCAACCAGGCCTACGGGATT-3'
Protein context (NP_001173.2, residues 193-213): AFNFPVAVYG[Trp203Gly]NNAIAMICGN